The following is an entry in ClinVar:

ClinVar aggregate classification (germline): Likely benign. Review status: criteria provided, multiple submitters, no conflicts (2 of 4 stars). 3 submissions from 3 submitters: Likely benign (2). 1 of the submissions does not count toward it. Last evaluated 2024-12-23.

Conditions:
ADCY10-related disorder. Also called: ADCY10-related condition.
Familial idiopathic hypercalciuria (HCA2). Also called: Hypercalciuria, absorptive, 2; Hypercalciuria, absorptive, susceptibility to. Identifiers: MedGen C0342639, MONDO:0007748, OMIM 143870.

Allele frequency attached by ClinVar (database versions not stated): gnomAD exomes 0.00002 and 0.00008; ExAC 0.00007; ESP Exome Variant Server 0.00015; TOPMed 0.00030; gnomAD 0.00035; 1000 Genomes Project 30x 0.00094; 1000 Genomes Project 0.00100.
gnomAD v4.1: 90 of 1,613,986 alleles (0.0056%); highest among the groups gnomAD compares: African/African-American, 0.1%; 1 homozygote.

Submissions (3):

Labcorp Genetics (formerly Invitae), Labcorp
Classification: Likely benign. Last evaluated: 2024-12-23. Review status: criteria provided, single submitter. Criteria: Invitae Variant Classification Sherloc (09022015). Collection method: clinical testing. Allele origin: germline.

Fulgent Genetics
Classification: Likely benign for Familial idiopathic hypercalciuria. Last evaluated: 2021-12-07. Review status: criteria provided, single submitter. Criteria: ACMG Guidelines, 2015. Collection method: clinical testing. Allele origin: unknown.

PreventionGenetics, part of Exact Sciences
Classification: Likely benign for ADCY10-related condition. Last evaluated: 2019-08-29. Review status: no assertion criteria provided. Collection method: clinical testing. Allele origin: germline. Not counted in ClinVar's aggregate classification.
Comment: This variant is classified as likely benign based on ACMG/AMP sequence variant interpretation guidelines (Richards et al. 2015 PMID: 25741868, with internal and published modifications).

NM_018417.6(ADCY10):c.2406G>A (p.Leu802=)

Gene: ADCY10 (adenylate cyclase 10; minus strand). Cytogenetic location: 1q24.2.
Variant type: single nucleotide variant.
Coding change: c.2406G>A on transcript NM_018417.6 (MANE Select); coding-DNA position 2406, G replaced by A.
Protein change: p.Leu802=; no amino-acid change (leucine 802 retained).
Molecular consequence: synonymous variant.
Genome position (GRCh38, 1-based): chr1:167,848,392, C>T on the plus strand (G>A on the coding strand, the complement: ADCY10 is on the minus strand). VCF-style: chr1-167848392-C-T. GRCh37 (hg19) VCF-style: chr1-167817630-C-T.
Other names: c.1947G>A, p.Leu649= (NM_001167749.3); c.2130G>A, p.Leu710= (NM_001297772.2); c.2406G>A (NM_018417.5).
Identifiers: ClinVar variation 1570599 (VCV001570599.11), dbSNP rs201086008, ClinGen allele CA1227647.
Genomic context (GRCh38, chr1:167,848,392, plus strand): 5'-AGCCACTGCGCCCGGCCAGATTTTCTTACCTTTTAATGACGTTGGAGGTGACAGGTTTTT[C>T]AGTCTGACACCACTTGTGAGGTGACAGACTTCTTCACTTTCCTTATCACTATGGAGAGTA-3'
Protein context (NP_060887.2, residues 792-812): EVCHLTSGVR[Leu802=]KNLSPPTSLK